The following is an entry in ClinVar:

NM_032638.5(GATA2):c.470C>G (p.Ala157Gly)

Gene: GATA2 (GATA binding protein 2; minus strand). Cytogenetic location: 3q21.3.
Variant type: single nucleotide variant.
Coding change: c.470C>G on transcript NM_032638.5 (MANE Select); coding-DNA position 470, C replaced by G.
Protein change: p.Ala157Gly; replaces alanine 157 with glycine.
Molecular consequence: missense variant.
Genome position (GRCh38, 1-based): chr3:128,486,128, G>C on the plus strand (C>G on the coding strand, the complement: GATA2 is on the minus strand). VCF-style: chr3-128486128-G-C. GRCh37 (hg19) VCF-style: chr3-128204971-G-C.
Other names: c.470C>G, p.Ala157Gly (NM_001145661.2, NM_001145662.1); short protein forms A157G.
Identifiers: ClinVar variation 2133910 (VCV002133910.5), dbSNP rs754721904, ClinGen allele CA354406688.

ClinVar aggregate classification (germline): Uncertain significance. Review status: criteria provided, multiple submitters, no conflicts (2 of 4 stars). 2 submissions from 2 submitters: Uncertain significance (2). Last evaluated 2026-01-25.

Conditions:
Inborn genetic diseases. Identifiers: MedGen C0950123, MeSH D030342.
Monocytopenia with susceptibility to infections. Also called: MONOCYTOPENIA AND MYCOBACTERIAL INFECTION SYNDROME; MONOCYTOPENIA WITH SUSCEPTIBILITY TO MYCOBACTERIAL, FUNGAL, AND PAPILLOMAVIRUS INFECTIONS AND MYELODYSPLASIA; COMBINED IMMUNODEFICIENCY WITH SUSCEPTIBILITY TO MYCOBACTERIAL, VIRAL, AND FUNGAL INFECTIONS; Dendritic cell, monocyte, B lymphocyte, and natural killer lymphocyte deficiency; GATA2 DEFICIENCY; IMMUNODEFICIENCY 21. Identifiers: Orphanet 228423, MedGen C3280030, MONDO:0013607, OMIM 614172.
Deafness-lymphedema-leukemia syndrome. Also called: Lymphedema, primary, with myelodysplasia; Emberger syndrome. Identifiers: Orphanet 3226, MedGen C3279664, MONDO:0013540, OMIM 614038.

Submissions (2):

Ambry Genetics
Classification: Uncertain significance for Inborn genetic diseases. Last evaluated: 2026-01-25. Review status: criteria provided, single submitter. Criteria: Ambry Variant Classification Scheme 2023. Collection method: clinical testing. Allele origin: germline.
Comment: The p.A157G variant (also known as c.470C>G), located in coding exon 2 of the GATA2 gene, results from a C to G substitution at nucleotide position 470. The alanine at codon 157 is replaced by glycine, an amino acid with similar properties. This amino acid position is conserved. In addition, the in silico prediction for this alteration is inconclusive. Based on the available evidence, the clinical significance of this variant remains unclear.

Labcorp Genetics (formerly Invitae), Labcorp
Classification: Uncertain significance for Monocytopenia with susceptibility to infections; Deafness-lymphedema-leukemia syndrome. Last evaluated: 2022-05-15. Review status: criteria provided, single submitter. Criteria: Invitae Variant Classification Sherloc (09022015). Collection method: clinical testing. Allele origin: germline.
Comment: Advanced modeling of protein sequence and biophysical properties (such as structural, functional, and spatial information, amino acid conservation, physicochemical variation, residue mobility, and thermodynamic stability) performed at Invitae indicates that this missense variant is not expected to disrupt GATA2 protein function. In summary, the available evidence is currently insufficient to determine the role of this variant in disease. Therefore, it has been classified as a Variant of Uncertain Significance. This variant has not been reported in the literature in individuals affected with GATA2-related conditions. This sequence change replaces alanine, which is neutral and non-polar, with glycine, which is neutral and non-polar, at codon 157 of the GATA2 protein (p.Ala157Gly). This variant is not present in population databases (gnomAD no frequency).